The following is an entry in ClinVar:

ClinVar aggregate classification (germline): Likely benign. Review status: criteria provided, multiple submitters, no conflicts (2 of 4 stars). 4 submissions from 4 submitters: Likely benign (4). Last evaluated 2025-12-09.

Allele frequency attached by ClinVar (database versions not stated): ExAC below 0.00001; gnomAD exomes 0.00042; 1000 Genomes Project 0.00120; 1000 Genomes Project 30x 0.00125; gnomAD 0.00200; TOPMed 0.00241.
gnomAD v4.1: 563 of 1,507,572 alleles (0.037%); highest among the groups gnomAD compares: African/African-American, 0.68%; 4 homozygotes.

Submissions (4):

Labcorp Genetics (formerly Invitae), Labcorp
Classification: Likely benign. Last evaluated: 2025-12-09. Review status: criteria provided, single submitter. Criteria: Invitae Variant Classification Sherloc (09022015). Collection method: clinical testing. Allele origin: germline.

CeGaT Center for Human Genetics Tuebingen
Classification: Likely benign. Last evaluated: 2025-11-01. Review status: criteria provided, single submitter. Criteria: CeGaT Center For Human Genetics Tuebingen Variant Classification Criteria Version 2. Collection method: clinical testing. Allele origin: germline. Affected: yes. Observed: 1 variant allele.
Comment: RIMS1: BP4, BP7

Blueprint Genetics
Classification: Likely benign. Last evaluated: 2024-10-16. Review status: criteria provided, single submitter. Criteria: ACMG Guidelines, 2015. Collection method: clinical testing. Allele origin: germline.

Eurofins Ntd Llc (ga)
Classification: Likely benign. Last evaluated: 2018-04-05. Review status: criteria provided, single submitter. Criteria: EGL ClinVar v180209 classification definitions. Collection method: clinical testing. Allele origin: germline. Observed: 2 variant alleles, 2 heterozygotes.

NM_014989.7(RIMS1):c.1230C>G (p.Gly410=)

Gene: RIMS1 (regulating synaptic membrane exocytosis 1; plus strand). Cytogenetic location: 6q13.
Variant type: single nucleotide variant.
Coding change: c.1230C>G on transcript NM_014989.7 (MANE Select); coding-DNA position 1230, C replaced by G.
Protein change: p.Gly410=; no amino-acid change (glycine 410 retained).
Molecular consequence: synonymous variant.
Genome position (GRCh38, 1-based): chr6:72,182,701, C>G. VCF-style: chr6-72182701-C-G. GRCh37 (hg19) VCF-style: chr6-72892404-C-G.
Identifiers: ClinVar variation 286544 (VCV000286544.22), dbSNP rs544554763, ClinGen allele CA3885665.